The following is an entry in ClinVar:

NM_025137.4(SPG11):c.2767G>C (p.Asp923His)

Gene: SPG11 (SPG11 vesicle trafficking associated, spatacsin; minus strand). Cytogenetic location: 15q21.1.
Variant type: single nucleotide variant.
Coding change: c.2767G>C on transcript NM_025137.4 (MANE Select); coding-DNA position 2767, G replaced by C.
Protein change: p.Asp923His; replaces aspartic acid 923 with histidine.
Molecular consequence: missense variant.
Genome position (GRCh38, 1-based): chr15:44,620,257, C>G on the plus strand (G>C on the coding strand, the complement: SPG11 is on the minus strand). VCF-style: chr15-44620257-C-G. GRCh37 (hg19) VCF-style: chr15-44912455-C-G.
Other names: c.2767G>C, p.Asp923His (NM_001160227.2); short protein forms D923H.
Identifiers: ClinVar variation 1393579 (VCV001393579.6), dbSNP rs910680613, ClinGen allele CA270072261.
Genomic context (GRCh38, chr15:44,620,257, plus strand): 5'-GCTTATCTAAAATTTCATTCCTCATGTAGTTGTTACAGGAAGTATTCTGGTTAATAACAT[C>G]AACAGTCAGAAGGGGCCATTTGTTCTGCTGAAGTGAAGCATAACTATGCTGGGTTTGAAA-3'
Protein context (NP_079413.3, residues 913-933): QQNKWPLLTV[Asp923His]VINQNTSCNN

ClinVar aggregate classification (germline): Uncertain significance (1 of 4 stars; one submission).

Conditions:
Hereditary spastic paraplegia 11. Also called: Nakamura Osame syndrome; Autosomal recessive hereditary spastic paraplegia, mental impairment, and thin corpus callosum; SPASTIC PARAPLEGIA, AUTOSOMAL RECESSIVE, COMPLICATED, WITH THIN CORPUS CALLOSUM; SPASTIC PARAPLEGIA, AUTOSOMAL RECESSIVE, WITH MENTAL IMPAIRMENT AND THIN CORPUS CALLOSUM; Spastic paraplegia, mental retardation and thin corpus callosum; Spastic Paraplegia 11. Identifiers: Orphanet 2822, MedGen C1858479, MONDO:0011445, OMIM 604360.

Allele frequency attached by ClinVar (database versions not stated): gnomAD exomes below 0.00001; TOPMed 0.00001; gnomAD 0.00002.
gnomAD v4.1: 3 of 1,613,864 alleles (0.00019%); highest among the groups gnomAD compares: African/African-American, 0.004%; no homozygotes.

Submission:

Labcorp Genetics (formerly Invitae), Labcorp
Classification: Uncertain significance for Hereditary spastic paraplegia 11. Last evaluated: 2021-11-12. Review status: criteria provided, single submitter. Criteria: Invitae Variant Classification Sherloc (09022015). Collection method: clinical testing. Allele origin: germline.
Comment: In summary, the available evidence is currently insufficient to determine the role of this variant in disease. Therefore, it has been classified as a Variant of Uncertain Significance. Algorithms developed to predict the effect of missense changes on protein structure and function are either unavailable or do not agree on the potential impact of this missense change (SIFT: "Deleterious"; PolyPhen-2: "Benign"; Align-GVGD: "Class C0"). This variant has not been reported in the literature in individuals affected with SPG11-related conditions. This variant is present in population databases (no rsID available, gnomAD 0.007%). This sequence change replaces aspartic acid, which is acidic and polar, with histidine, which is basic and polar, at codon 923 of the SPG11 protein (p.Asp923His).